The following is an entry in ClinVar:

NM_000094.4(COL7A1):c.2443G>A (p.Gly815Ser)

Gene: COL7A1 (collagen type VII alpha 1 chain; minus strand). Cytogenetic location: 3p21.31.
Variant type: single nucleotide variant.
Coding change: c.2443G>A on transcript NM_000094.4 (MANE Select); coding-DNA position 2443, G replaced by A.
Protein change: p.Gly815Ser; replaces glycine 815 with serine.
Molecular consequence: missense variant.
Genome position (GRCh38, 1-based): chr3:48,588,786, C>T on the plus strand (G>A on the coding strand, the complement: COL7A1 is on the minus strand). VCF-style: chr3-48588786-C-T. GRCh37 (hg19) VCF-style: chr3-48626219-C-T.
Other names: short protein forms G815S.
Identifiers: ClinVar variation 2138975 (VCV002138975.4), dbSNP rs576306176, ClinGen allele CA2380878.

ClinVar aggregate classification (germline): Uncertain significance. Review status: criteria provided, multiple submitters, no conflicts (2 of 4 stars). 3 submissions from 3 submitters: Uncertain significance (3). Last evaluated 2025-11-10.

Conditions:
Recessive dystrophic epidermolysis bullosa (RDEB). Also called: DYSTROPHIC EPIDERMOLYSIS BULLOSA, AUTOSOMAL RECESSIVE; EPIDERMOLYSIS BULLOSA DYSTROPHICA, HALLOPEAU-SIEMENS TYPE; severe generalized recessive dystrophic epidermolysis bullosa; epidermolysis bullosa dystrophica, autosomal recessive; Recessive DEB (RDEB); Hallopeau-Siemens Disease. Identifiers: Orphanet 79408, Orphanet 79409, MedGen C0079474, MONDO:0009179, OMIM 226600.

Allele frequency attached by ClinVar (database versions not stated): 1000 Genomes Project 30x 0.00016; ExAC 0.00002; gnomAD 0.00003; gnomAD exomes 0.00001; TOPMed 0.00003; 1000 Genomes Project 0.00020.
gnomAD v4.1: 13 of 1,613,854 alleles (0.00081%); highest among the groups gnomAD compares: East Asian, 0.0067%; no homozygotes.

Submissions (3):

Women's Health and Genetics/Laboratory Corporation of America, LabCorp
Classification: Uncertain significance. Last evaluated: 2025-11-10. Review status: criteria provided, single submitter. Criteria: LabCorp Variant Classification Summary - May 2015. Collection method: clinical testing. Allele origin: germline.
Comment: Variant summary: COL7A1 c.2443G>A (p.Gly815Ser) results in a non-conservative amino acid change in the encoded protein sequence. Algorithms developed to predict the effect of missense changes on protein structure and function are either unavailable or do not agree on the potential impact of this missense change. Consensus agreement among computation tools predict no significant impact on normal splicing. However, these predictions have yet to be confirmed by functional studies. The variant allele was found at a frequency of 1.2e-05 in 251278 control chromosomes. The available data on variant occurrences in the general population are insufficient to allow any conclusion about variant significance. To our knowledge, no occurrence of c.2443G>A in individuals affected with COL7A1-related conditions and no experimental evidence demonstrating its impact on protein function have been reported. The following publication has been ascertained in the context of this evaluation (PMID: 26168399). ClinVar contains an entry for this variant (Variation ID: 2138975). Based on the evidence outlined above, the variant was classified as uncertain significance.

Labcorp Genetics (formerly Invitae), Labcorp
Classification: Uncertain significance. Last evaluated: 2025-03-07. Review status: criteria provided, single submitter. Criteria: Invitae Variant Classification Sherloc (09022015). Collection method: clinical testing. Allele origin: germline.
Comment: This sequence change replaces glycine, which is neutral and non-polar, with serine, which is neutral and polar, at codon 815 of the COL7A1 protein (p.Gly815Ser). This variant is present in population databases (rs576306176, gnomAD 0.007%). This variant has not been reported in the literature in individuals affected with COL7A1-related conditions. ClinVar contains an entry for this variant (Variation ID: 2138975). Experimental studies and prediction algorithms are not available or were not evaluated, and the functional significance of this variant is currently unknown. In summary, the available evidence is currently insufficient to determine the role of this variant in disease. Therefore, it has been classified as a Variant of Uncertain Significance.

Department of Pathology and Laboratory Medicine, Sinai Health System
Classification: Uncertain significance for recessive dystrophic epidermolysis bullosa. Last evaluated: 2021-09-12. Review status: criteria provided, single submitter. Criteria: ACMG Guidelines, 2015. Collection method: research. Allele origin: germline.

Literature cited by the submitters: PubMed 26168399 (cited by Women's Health and Genetics/Laboratory Corporation of America, LabCorp).